The following is an entry in ClinVar:

NM_020778.5(ALPK3):c.1383_1384delinsAC (p.Ala462Pro)

Gene: ALPK3 (alpha kinase 3; plus strand). Cytogenetic location: 15q25.3.
Variant type: Indel.
Coding change: c.1383_1384delinsAC on transcript NM_020778.5 (MANE Select); coding-DNA positions 1383 to 1384, CG replaced by AC.
Protein change: p.Ala462Pro; replaces alanine 462 with proline.
Molecular consequence: missense variant.
Genome position (GRCh38, 1-based): chr15:84,840,662-84,840,663, CG replaced by AC. VCF-style: chr15-84840662-CG-AC. GRCh37 (hg19) VCF-style: chr15-85383893-CG-AC.
Other names: short protein forms A462P.
Identifiers: ClinVar variation 2819197 (VCV002819197.3), dbSNP rs2505706553, ClinGen allele CA2739269634.

ClinVar aggregate classification (germline): Uncertain significance (1 of 4 stars; one submission).

Submission:

Labcorp Genetics (formerly Invitae), Labcorp
Classification: Uncertain significance. Last evaluated: 2023-05-04. Review status: criteria provided, single submitter. Criteria: Invitae Variant Classification Sherloc (09022015). Collection method: clinical testing. Allele origin: germline.
Comment: In summary, the available evidence is currently insufficient to determine the role of this variant in disease. Therefore, it has been classified as a Variant of Uncertain Significance. Experimental studies and prediction algorithms are not available or were not evaluated, and the functional significance of this variant is currently unknown. This variant has not been reported in the literature in individuals affected with ALPK3-related conditions. Information on the frequency of this variant in the gnomAD database is not available, as this variant may be reported differently in the database. This sequence change replaces alanine, which is neutral and non-polar, with proline, which is neutral and non-polar, at codon 664 of the ALPK3 protein (p.Ala664Pro).